The following is an entry in ClinVar:

NM_003839.4(TNFRSF11A):c.1303G>A (p.Ala435Thr)

Gene: TNFRSF11A (TNF receptor superfamily member 11a; plus strand). Cytogenetic location: 18q21.33.
Variant type: single nucleotide variant.
Coding change: c.1303G>A on transcript NM_003839.4 (MANE Select); coding-DNA position 1303, G replaced by A.
Protein change: p.Ala435Thr; replaces alanine 435 with threonine.
Molecular consequence: missense variant. On other transcripts: intron variant (3).
Genome position (GRCh38, 1-based): chr18:62,369,220, G>A. VCF-style: chr18-62369220-G-A. GRCh37 (hg19) VCF-style: chr18-60036453-G-A.
Other names: c.1261G>A, p.Ala421Thr (NM_001278268.2); c.783+2460G>A (NM_001270949.2); c.730+7427G>A (NM_001270950.2); c.616+9171G>A (NM_001270951.2); short protein forms A435T, A421T.
Identifiers: ClinVar variation 1362624 (VCV001362624.6), dbSNP rs935058387, ClinGen allele CA301704301.
Genomic context (GRCh38, chr18:62,369,220, plus strand): 5'-CCCATGTCCTCTGAAAACTACTTGCAAAAAGAGGTGGACAGTGGCCATTGCCCGCACTGG[G>A]CAGCCAGCCCCAGCCCCAACTGGGCAGATGTCTGCACAGGCTGCCGGAACCCTCCTGGGG-3'
Protein context (NP_003830.1, residues 425-445): EVDSGHCPHW[Ala435Thr]ASPSPNWADV

ClinVar aggregate classification (germline): Uncertain significance (1 of 4 stars; one submission).

Allele frequency attached by ClinVar (database versions not stated): TOPMed below 0.00001; gnomAD exomes below 0.00001.
gnomAD v4.1: 2 of 1,613,752 alleles (0.00012%); highest among the groups gnomAD compares: Non-Finnish European, 0.00017%; no homozygotes.

Submission:

Labcorp Genetics (formerly Invitae), Labcorp
Classification: Uncertain significance. Last evaluated: 2025-07-23. Review status: criteria provided, single submitter. Criteria: Invitae Variant Classification Sherloc (09022015). Collection method: clinical testing. Allele origin: germline.
Comment: This sequence change replaces alanine, which is neutral and non-polar, with threonine, which is neutral and polar, at codon 435 of the TNFRSF11A protein (p.Ala435Thr). This variant is not present in population databases (gnomAD no frequency). This variant has not been reported in the literature in individuals affected with TNFRSF11A-related conditions. ClinVar contains an entry for this variant (Variation ID: 1362624). An algorithm developed to predict the effect of missense changes on protein structure and function (PolyPhen-2) suggests that this variant is likely to be tolerated. In summary, the available evidence is currently insufficient to determine the role of this variant in disease. Therefore, it has been classified as a Variant of Uncertain Significance.